The following is an entry in ClinVar:

ClinVar aggregate classification (germline): Uncertain significance. Review status: criteria provided, multiple submitters, no conflicts (2 of 4 stars). 2 submissions from 2 submitters: Uncertain significance (2). Last evaluated 2022-04-19.

Conditions:
Mitochondrial complex II deficiency, nuclear type 1. Also called: SUCCINATE CoQ REDUCTASE DEFICIENCY. Identifiers: Orphanet 3208, MedGen C5700310, MONDO:0100294, OMIM 252011.
Pheochromocytoma/paraganglioma syndrome 5. Also called: Paragangliomas 5; SDHA-Related Hereditary Paraganglioma-Pheochromocytoma Syndrome. Identifiers: Orphanet 29072, MedGen C3279992, MONDO:0013602, OMIM 614165.
Hereditary cancer-predisposing syndrome. Also called: Neoplastic Syndromes, Hereditary; Tumor predisposition; Hereditary neoplastic syndrome; Hereditary Cancer Syndrome. Identifiers: Orphanet 140162, MedGen C0027672, MeSH D009386, MONDO:0015356.

Submissions (2):

Ambry Genetics
Classification: Uncertain significance for Hereditary cancer-predisposing syndrome. Last evaluated: 2022-04-19. Review status: criteria provided, single submitter. Criteria: Ambry Variant Classification Scheme 2023. Collection method: clinical testing. Allele origin: germline.
Comment: The p.I610V variant (also known as c.1828A>G), located in coding exon 14 of the SDHA gene, results from an A to G substitution at nucleotide position 1828. The isoleucine at codon 610 is replaced by valine, an amino acid with highly similar properties. This amino acid position is conserved. In addition, this alteration is predicted to be tolerated by in silico analysis. Since supporting evidence is limited at this time, the clinical significance of this alteration remains unclear.

Labcorp Genetics (formerly Invitae), Labcorp
Classification: Uncertain significance for Pheochromocytoma/paraganglioma syndrome 5; Mitochondrial complex II deficiency, nuclear type 1. Last evaluated: 2017-11-08. Review status: criteria provided, single submitter. Criteria: Invitae Variant Classification Sherloc (09022015). Collection method: clinical testing. Allele origin: germline.
Comment: In summary, the available evidence is currently insufficient to determine the role of this variant in disease. Therefore, it has been classified as a Variant of Uncertain Significance. Algorithms developed to predict the effect of missense changes on protein structure and function output the following: SIFT: "Tolerated"; PolyPhen-2: "Benign"; Align-GVGD: "Class C0". The valine amino acid residue is found in multiple mammalian species, suggesting that this missense change does not adversely affect protein function. These predictions have not been confirmed by published functional studies and their clinical significance is uncertain. This variant has not been reported in the literature in individuals with SDHA-related disease. This variant is not present in population databases (ExAC no frequency). This sequence change replaces isoleucine with valine at codon 610 of the SDHA protein (p.Ile610Val). The isoleucine residue is moderately conserved and there is a small physicochemical difference between isoleucine and valine.

NM_004168.4(SDHA):c.1828A>G (p.Ile610Val)

Gene: SDHA (succinate dehydrogenase complex flavoprotein subunit A; plus strand). Cytogenetic location: 5p15.33.
Variant type: single nucleotide variant.
Coding change: c.1828A>G on transcript NM_004168.4 (MANE Select); coding-DNA position 1828, A replaced by G.
Protein change: p.Ile610Val; replaces isoleucine 610 with valine.
Molecular consequence: missense variant.
Genome position (GRCh38, 1-based): chr5:254,426, A>G. VCF-style: chr5-254426-A-G. GRCh37 (hg19) VCF-style: chr5-254541-A-G.
Other names: c.1684A>G, p.Ile562Val (NM_001294332.2); c.1585A>G, p.Ile529Val (NM_001330758.2); short protein forms I610V, I529V, I562V.
Identifiers: ClinVar variation 539646 (VCV000539646.12), dbSNP rs1554002446, ClinGen allele CA359001814.